The following is an entry in ClinVar:

NM_004371.4(COPA):c.2368C>T (p.Pro790Ser)

Gene: COPA (coat protein complex I subunit alpha; minus strand). Cytogenetic location: 1q23.2.
Variant type: single nucleotide variant.
Coding change: c.2368C>T on transcript NM_004371.4 (MANE Select); coding-DNA position 2368, C replaced by T.
Protein change: p.Pro790Ser; replaces proline 790 with serine.
Molecular consequence: missense variant.
Genome position (GRCh38, 1-based): chr1:160,295,844, G>A on the plus strand (C>T on the coding strand, the complement: COPA is on the minus strand). VCF-style: chr1-160295844-G-A. GRCh37 (hg19) VCF-style: chr1-160265634-G-A.
Other names: c.2395C>T, p.Pro799Ser (NM_001098398.2); short protein forms P799S, P790S.
Identifiers: ClinVar variation 3658489 (VCV003658489.2).

ClinVar aggregate classification (germline): Uncertain significance (1 of 4 stars; one submission).

Conditions:
Autoimmune interstitial lung disease-arthritis syndrome. Also called: Autoinflammation and autoimmunity, systemic, with immune dysregulation. Identifiers: Orphanet 444092, MedGen C5975714, MONDO:0014629.

gnomAD v4.1: 1 of 1,610,448 alleles (0.000062%); highest among the groups gnomAD compares: Non-Finnish European, 0.000085%; no homozygotes.

Submission:

Labcorp Genetics (formerly Invitae), Labcorp
Classification: Uncertain significance for Autoimmune interstitial lung disease-arthritis syndrome. Last evaluated: 2024-07-02. Review status: criteria provided, single submitter. Criteria: Invitae Variant Classification Sherloc (09022015). Collection method: clinical testing. Allele origin: germline.
Comment: This sequence change replaces proline, which is neutral and non-polar, with serine, which is neutral and polar, at codon 790 of the COPA protein (p.Pro790Ser). This variant is not present in population databases (gnomAD no frequency). This variant has not been reported in the literature in individuals affected with COPA-related conditions. Advanced modeling of protein sequence and biophysical properties (such as structural, functional, and spatial information, amino acid conservation, physicochemical variation, residue mobility, and thermodynamic stability) performed at Invitae indicates that this missense variant is not expected to disrupt COPA protein function with a negative predictive value of 80%. In summary, the available evidence is currently insufficient to determine the role of this variant in disease. Therefore, it has been classified as a Variant of Uncertain Significance.